The following is an entry in ClinVar:

NM_007259.5(VPS45):c.1208T>C (p.Leu403Pro)

Gene: VPS45 (vacuolar protein sorting 45 homolog; plus strand). Cytogenetic location: 1q21.2.
Variant type: single nucleotide variant.
Coding change: c.1208T>C on transcript NM_007259.5 (MANE Select); coding-DNA position 1208, T replaced by C.
Protein change: p.Leu403Pro; replaces leucine 403 with proline.
Molecular consequence: missense variant. On other transcripts: non-coding transcript variant (1).
Genome position (GRCh38, 1-based): chr1:150,092,040, T>C. VCF-style: chr1-150092040-T-C. GRCh37 (hg19) VCF-style: chr1-150064134-T-C.
Other names: c.893T>C, p.Leu298Pro (NM_001279353.2); c.1100T>C, p.Leu367Pro (NM_001279354.2); short protein forms L298P, L367P, L403P.
Identifiers: ClinVar variation 2148548 (VCV002148548.4), dbSNP rs2526196356, ClinGen allele CA342255435.

ClinVar aggregate classification (germline): Uncertain significance (1 of 4 stars; one submission).

Conditions:
Congenital neutropenia-myelofibrosis-nephromegaly syndrome. Also called: Severe congenital neutropenia 5, autosomal recessive. Identifiers: Orphanet 369852, MedGen C3809031, MONDO:0014118, OMIM 615285.

Submission:

Labcorp Genetics (formerly Invitae), Labcorp
Classification: Uncertain significance for Congenital neutropenia-myelofibrosis-nephromegaly syndrome. Last evaluated: 2022-06-18. Review status: criteria provided, single submitter. Criteria: Invitae Variant Classification Sherloc (09022015). Collection method: clinical testing. Allele origin: germline.
Comment: This variant is not present in population databases (gnomAD no frequency). This sequence change replaces leucine, which is neutral and non-polar, with proline, which is neutral and non-polar, at codon 403 of the VPS45 protein (p.Leu403Pro). This variant has not been reported in the literature in individuals affected with VPS45-related conditions. Algorithms developed to predict the effect of missense changes on protein structure and function are either unavailable or do not agree on the potential impact of this missense change (SIFT: "Deleterious"; PolyPhen-2: "Probably Damaging"; Align-GVGD: "Class C0"). In summary, the available evidence is currently insufficient to determine the role of this variant in disease. Therefore, it has been classified as a Variant of Uncertain Significance.